The following is an entry in ClinVar:

NM_001851.6(COL9A1):c.487A>C (p.Ser163Arg)

Gene: COL9A1 (collagen type IX alpha 1 chain; minus strand). Cytogenetic location: 6q13.
Variant type: single nucleotide variant.
Coding change: c.487A>C on transcript NM_001851.6 (MANE Select); coding-DNA position 487, A replaced by C.
Protein change: p.Ser163Arg; replaces serine 163 with arginine.
Molecular consequence: missense variant.
Genome position (GRCh38, 1-based): chr6:70,294,376, T>G on the plus strand (A>C on the coding strand, the complement: COL9A1 is on the minus strand). VCF-style: chr6-70294376-T-G. GRCh37 (hg19) VCF-style: chr6-71004079-T-G.
Other names: c.487A>C, p.Ser163Arg (NM_001377291.1); short protein forms S163R.
Identifiers: ClinVar variation 4985049 (VCV004985049.1).

ClinVar aggregate classification (germline): Uncertain significance (1 of 4 stars; one submission).

Conditions:
COL9A1-related disorder. Also called: COL9A1-related condition; COL9A1-related disorders.

gnomAD v4.1: 6 of 1,613,996 alleles (0.00037%); highest among the groups gnomAD compares: Admixed American, 0.0033%; no homozygotes.

Submission:

PreventionGenetics, part of Exact Sciences
Classification: Uncertain significance for COL9A1-related condition. Last evaluated: 2025-11-18. Review status: criteria provided, single submitter. Criteria: ACMG Guidelines, 2015. Collection method: clinical testing. Allele origin: germline.
Comment: The COL9A1 c.487A>C variant is predicted to result in the amino acid substitution p.Ser163Arg. To our knowledge, this variant has not been reported in the literature. This variant is reported in 0.0029% of alleles in individuals of Latino descent in gnomAD. At this time, the clinical significance of this variant is uncertain due to the absence of conclusive functional and genetic evidence.